The following is an entry in ClinVar:

NM_001042492.3(NF1):c.3429C>G (p.His1143Gln)

Gene: NF1 (neurofibromin 1; plus strand). Cytogenetic location: 17q11.2.
Variant type: single nucleotide variant.
Coding change: c.3429C>G on transcript NM_001042492.3 (MANE Select); coding-DNA position 3429, C replaced by G.
Protein change: p.His1143Gln; replaces histidine 1143 with glutamine.
Molecular consequence: missense variant.
Genome position (GRCh38, 1-based): chr17:31,232,814, C>G. VCF-style: chr17-31232814-C-G. GRCh37 (hg19) VCF-style: chr17-29559832-C-G.
Other names: c.3429C>G, p.His1143Gln (NM_000267.4); short protein forms H1143Q.
Identifiers: ClinVar variation 4294029 (VCV004294029.1).
Genomic context (GRCh38, chr17:31,232,814, plus strand): 5'-AAGTGCGCAAACAGGTGGCAGGAAACGTGGCATGTCTCGGAGGCTGGCATCACTGAGGCA[C>G]TGTACGGTCCTTGCAATGTCAAACTTACTCAATGCCAACGTAGACAGTGGTCTCATGCAC-3'
Protein context (NP_001035957.1, residues 1133-1153): GMSRRLASLR[His1143Gln]CTVLAMSNLL

ClinVar aggregate classification (germline): Uncertain significance (1 of 4 stars; one submission).

Conditions:
Neurofibromatosis, type 1 (NF1). Also called: VON RECKLINGHAUSEN DISEASE; Neurofibromatosis, type I; NEUROFIBROMATOSIS, TYPE I, SOMATIC; Peripheral type neurofibromatosis. Identifiers: Orphanet 636, MedGen C0027831, MONDO:0018975, OMIM 162200. Disease mechanism: loss of function.

Submission:

3billion
Classification: Uncertain significance for Neurofibromatosis, type 1. Last evaluated: 2024-11-09. Review status: criteria provided, single submitter. Criteria: ACMG Guidelines, 2015. Collection method: clinical testing. Allele origin: germline. Affected: yes.
Comment: The variant is not observed in the gnomAD v4.1.0 dataset. Predicted Consequence/Location: Missense variant In silico tool predictions suggest damaging effect of the variant on gene or gene product [3Cnet: 0.95 (>=0.6, sensitivity 0.72 and precision 0.9)]. A different missense change at the same codon (p.His1143Tyr) has been reported as pathogenic/likely pathogenic with strong evidence (ClinVar ID: VCV000457648 /PMID: 12807981). Therefore, this variant is classified as VUS according to the recommendation of ACMG/AMP guideline.

Literature cited by the submitters: PubMed 12807981.